The following is an entry in ClinVar:

NM_001025603.2(RFX5):c.757+1G>A

Gene: RFX5 (regulatory factor X5; minus strand). Cytogenetic location: 1q21.3.
Variant type: single nucleotide variant.
Coding change: c.757+1G>A on transcript NM_001025603.2 (MANE Select); the canonical splice donor site of the intron after coding-DNA position 757, G replaced by A.
Molecular consequence: splice donor variant.
Genome position (GRCh38, 1-based): chr1:151,343,680, C>T on the plus strand (G>A on the coding strand, the complement: RFX5 is on the minus strand). VCF-style: chr1-151343680-C-T. GRCh37 (hg19) VCF-style: chr1-151316156-C-T.
Other names: c.637+1G>A (NM_001379419.1, NM_001379420.1); c.757+1G>A (NM_000449.4, NM_001379413.1, NM_001379417.1 and 5 more transcripts).
Identifiers: ClinVar variation 2104792 (VCV002104792.21), dbSNP rs775183383, ClinGen allele CA341936529.

ClinVar aggregate classification (germline): Pathogenic/Likely pathogenic. Review status: criteria provided, multiple submitters, no conflicts (2 of 4 stars). 2 submissions from 2 submitters: Pathogenic (1); Likely pathogenic (1). Last evaluated 2024-07-01.

Conditions:
MHC class II deficiency. Also called: Bare lymphocyte syndrome 2; BLS, TYPE II. Identifiers: Orphanet 572, MedGen C5447452, MONDO:0008855.

Submissions (2):

CeGaT Center for Human Genetics Tuebingen
Classification: Pathogenic. Last evaluated: 2024-07-01. Review status: criteria provided, single submitter. Criteria: CeGaT Center For Human Genetics Tuebingen Variant Classification Criteria Version 2. Collection method: clinical testing. Allele origin: germline. Affected: yes. Observed: 1 variant allele.
Comment: RFX5: PVS1, PM2

Labcorp Genetics (formerly Invitae), Labcorp
Classification: Likely pathogenic for MHC class II deficiency. Last evaluated: 2022-02-28. Review status: criteria provided, single submitter. Criteria: Invitae Variant Classification Sherloc (09022015). Collection method: clinical testing. Allele origin: germline.
Comment: In summary, the currently available evidence indicates that the variant is pathogenic, but additional data are needed to prove that conclusively. Therefore, this variant has been classified as Likely Pathogenic. Algorithms developed to predict the effect of sequence changes on RNA splicing suggest that this variant may disrupt the consensus splice site. This variant has not been reported in the literature in individuals affected with RFX5-related conditions. This variant is not present in population databases (gnomAD no frequency). This sequence change affects a donor splice site in intron 9 of the RFX5 gene. It is expected to disrupt RNA splicing. Variants that disrupt the donor or acceptor splice site typically lead to a loss of protein function (PMID: 16199547), and loss-of-function variants in RFX5 are known to be pathogenic (PMID: 7744245, 9401005, 10079298).

Literature cited by the submitters: PubMed 16199547 (cited by Labcorp Genetics (formerly Invitae), Labcorp); PubMed 7744245 (cited by Labcorp Genetics (formerly Invitae), Labcorp); PubMed 9401005 (cited by Labcorp Genetics (formerly Invitae), Labcorp); PubMed 10079298 (cited by Labcorp Genetics (formerly Invitae), Labcorp).